The following is an entry in ClinVar:

ClinVar aggregate classification (germline): Uncertain significance (1 of 4 stars; one submission).

Submission:

Labcorp Genetics (formerly Invitae), Labcorp
Classification: Uncertain significance. Last evaluated: 2023-01-20. Review status: criteria provided, single submitter. Criteria: Invitae Variant Classification Sherloc (09022015). Collection method: clinical testing. Allele origin: germline.
Comment: This sequence change replaces serine, which is neutral and polar, with alanine, which is neutral and non-polar, at codon 401 of the CEP97 protein (p.Ser401Ala). This variant is not present in population databases (gnomAD no frequency). This variant has not been reported in the literature in individuals affected with CEP97-related conditions. Advanced modeling of protein sequence and biophysical properties (such as structural, functional, and spatial information, amino acid conservation, physicochemical variation, residue mobility, and thermodynamic stability) performed at Invitae indicates that this missense variant is not expected to disrupt CEP97 protein function. Algorithms developed to predict the effect of sequence changes on RNA splicing suggest that this variant may create or strengthen a splice site. In summary, the available evidence is currently insufficient to determine the role of this variant in disease. Therefore, it has been classified as a Variant of Uncertain Significance.

NM_024548.4(CEP97):c.1201T>G (p.Ser401Ala)

Gene: CEP97 (centrosomal protein 97; plus strand). Cytogenetic location: 3q12.3.
Variant type: single nucleotide variant.
Coding change: c.1201T>G on transcript NM_024548.4 (MANE Select); coding-DNA position 1201, T replaced by G.
Protein change: p.Ser401Ala; replaces serine 401 with alanine.
Molecular consequence: missense variant. On other transcripts: intron variant (2).
Genome position (GRCh38, 1-based): chr3:101,757,807, T>G. VCF-style: chr3-101757807-T-G. GRCh37 (hg19) VCF-style: chr3-101476651-T-G.
Other names: c.1099T>G, p.Ser367Ala (NM_001410784.1); c.1028-4T>G (NM_001303401.2); c.926-4T>G (NM_001410785.1); short protein forms S401A, S367A.
Identifiers: ClinVar variation 2877338 (VCV002877338.3), dbSNP rs2545845694, ClinGen allele CA353876886.